The following is an entry in ClinVar:

ClinVar aggregate classification (germline): Uncertain significance. Review status: criteria provided, multiple submitters, no conflicts (2 of 4 stars). 2 submissions from 2 submitters: Uncertain significance (2). Last evaluated 2024-08-27.

Conditions:
Inborn genetic diseases. Identifiers: MedGen C0950123, MeSH D030342.

Allele frequency attached by ClinVar (database versions not stated): gnomAD 0.00001.
gnomAD v4.1: 1 of 1,613,466 alleles (0.000062%); highest among the groups gnomAD compares: African/African-American, 0.0013%; no homozygotes.

Submissions (2):

Ambry Genetics
Classification: Uncertain significance for Inborn genetic diseases. Last evaluated: 2024-08-27. Review status: criteria provided, single submitter. Criteria: Ambry Variant Classification Scheme 2023. Collection method: clinical testing. Allele origin: germline.

Labcorp Genetics (formerly Invitae), Labcorp
Classification: Uncertain significance. Last evaluated: 2022-08-01. Review status: criteria provided, single submitter. Criteria: Invitae Variant Classification Sherloc (09022015). Collection method: clinical testing. Allele origin: germline.
Comment: In summary, the available evidence is currently insufficient to determine the role of this variant in disease. Therefore, it has been classified as a Variant of Uncertain Significance. Algorithms developed to predict the effect of missense changes on protein structure and function (SIFT, PolyPhen-2, Align-GVGD) all suggest that this variant is likely to be disruptive. This variant has not been reported in the literature in individuals affected with NBAS-related conditions. This variant is present in population databases (no rsID available, gnomAD 0.01%). This sequence change replaces tryptophan, which is neutral and slightly polar, with cysteine, which is neutral and slightly polar, at codon 197 of the NBAS protein (p.Trp197Cys).

NM_015909.4(NBAS):c.591G>T (p.Trp197Cys)

Gene: NBAS (NBAS subunit of NRZ tethering complex; minus strand). Cytogenetic location: 2p24.3.
Variant type: single nucleotide variant.
Coding change: c.591G>T on transcript NM_015909.4 (MANE Select); coding-DNA position 591, G replaced by T.
Protein change: p.Trp197Cys; replaces tryptophan 197 with cysteine.
Molecular consequence: missense variant. On other transcripts: non-coding transcript variant (1).
Genome position (GRCh38, 1-based): chr2:15,536,474, C>A on the plus strand (G>T on the coding strand, the complement: NBAS is on the minus strand). VCF-style: chr2-15536474-C-A. GRCh37 (hg19) VCF-style: chr2-15676598-C-A.
Other names: c.591G>T (NM_015909.2); short protein forms W197C.
Identifiers: ClinVar variation 2027136 (VCV002027136.3), dbSNP rs1327253792, ClinGen allele CA345886161.
Genomic context (GRCh38, chr2:15,536,474, plus strand): 5'-TTACCTTACAAGGTAACTTCTAAGTTCTCCTCGGTAATTGATGACCAGGAGTTCTGCAGA[C>A]CACTGTGCACTTGCTTTATATTCTAAAAATATCAACCCAGCAATGGCATAGCTTAAGTCA-3'
Protein context (NP_056993.2, residues 187-207): IFLEYKASAQ[Trp197Cys]SAELLVINYR